The following is an entry in ClinVar:

ClinVar aggregate classification (germline): Uncertain significance. Review status: criteria provided, multiple submitters, no conflicts (2 of 4 stars). 3 submissions from 3 submitters: Uncertain significance (3). Last evaluated 2024-10-21.

Conditions:
Rubinstein-Taybi syndrome due to CREBBP mutations (RSTS1). Also called: RUBINSTEIN-TAYBI SYNDROME 1, INCOMPLETE; BROAD THUMB-HALLUX SYNDROME; RUBINSTEIN SYNDROME; Rubinstein-Taybi syndrome 1; BROAD THUMBS AND GREAT TOES, CHARACTERISTIC FACIES, AND IMPAIRED INTELLECTUAL DEVELOPMENT; CREBBP-Related Rubinstein-Taybi Syndrome. Identifiers: Orphanet 353277, Orphanet 783, MedGen C4551859, MONDO:0008393, OMIM 180849.
Menke-Hennekam syndrome 1 (MKHK1). Identifiers: MedGen C5193034, MONDO:0020763, OMIM 618332.

Allele frequency attached by ClinVar (database versions not stated): gnomAD 0.00001; gnomAD exomes below 0.00001; TOPMed below 0.00001.
gnomAD v4.1: 4 of 1,613,960 alleles (0.00025%); highest among the groups gnomAD compares: African/African-American, 0.0013%; no homozygotes.

Submissions (3):

Women's Health and Genetics/Laboratory Corporation of America, LabCorp
Classification: Uncertain significance. Last evaluated: 2024-10-21. Review status: criteria provided, single submitter. Criteria: LabCorp Variant Classification Summary - May 2015. Collection method: clinical testing. Allele origin: germline.
Comment: Variant summary: CREBBP c.3609+5A>G alters a non-conserved nucleotide located close to a canonical splice site and therefore could affect mRNA splicing, leading to a significantly altered protein sequence. Consensus agreement among computation tools predict no significant impact on normal splicing. However, these predictions have yet to be confirmed by functional studies. The variant was absent in 251268 control chromosomes. The available data on variant occurrences in the general population are insufficient to allow any conclusion about variant significance. To our knowledge, no occurrence of c.3609+5A>G in individuals affected with Rubinstein-Taybi Syndrome and no experimental evidence demonstrating its impact on protein function have been reported. ClinVar contains an entry for this variant (Variation ID: 3026434). Based on the evidence outlined above, the variant was classified as uncertain significance.

Fulgent Genetics
Classification: Uncertain significance for Rubinstein-Taybi syndrome due to CREBBP mutations; Menke-Hennekam syndrome 1. Last evaluated: 2024-02-20. Review status: criteria provided, single submitter. Criteria: ACMG Guidelines, 2015. Collection method: clinical testing. Allele origin: germline.

CeGaT Center for Human Genetics Tuebingen
Classification: Uncertain significance. Last evaluated: 2023-12-01. Review status: criteria provided, single submitter. Criteria: CeGaT Center For Human Genetics Tuebingen Variant Classification Criteria Version 2. Collection method: clinical testing. Allele origin: germline. Affected: yes. Observed: 1 variant allele.
Comment: CREBBP: PM2, BP4

NM_004380.3(CREBBP):c.3609+5A>G

Gene: CREBBP (CREB binding lysine acetyltransferase; minus strand). Cytogenetic location: 16p13.3.
Variant type: single nucleotide variant.
Coding change: c.3609+5A>G on transcript NM_004380.3 (MANE Select); 5 bases into the intron after coding-DNA position 3609, A replaced by G.
Molecular consequence: intron variant.
Genome position (GRCh38, 1-based): chr16:3,757,804, T>C on the plus strand (A>G on the coding strand, the complement: CREBBP is on the minus strand). VCF-style: chr16-3757804-T-C. GRCh37 (hg19) VCF-style: chr16-3807805-T-C.
Other names: c.3495+5A>G (NM_001079846.1).
Identifiers: ClinVar variation 3026434 (VCV003026434.24), dbSNP rs1423626049, ClinGen allele CA720741201.